The following is an entry in ClinVar:

NM_000046.5(ARSB):c.*2654A>G

Gene: ARSB (arylsulfatase B; minus strand). Cytogenetic location: 5q14.1.
Variant type: single nucleotide variant.
Coding change: c.*2654A>G on transcript NM_000046.5 (MANE Select); 2654 bases downstream of the stop codon, A replaced by G.
Molecular consequence: 3 prime UTR variant.
Genome position (GRCh38, 1-based): chr5:78,777,743, T>C on the plus strand (A>G on the coding strand, the complement: ARSB is on the minus strand). VCF-style: chr5-78777743-T-C. GRCh37 (hg19) VCF-style: chr5-78073566-T-C.
Identifiers: ClinVar variation 907643 (VCV000907643.4), dbSNP rs147170505, ClinGen allele CA121678839.

ClinVar aggregate classification (germline): Benign (1 of 4 stars; one submission).

Conditions:
Mucopolysaccharidosis type 6 (MPS6). Also called: MPS 6; Maroteaux Lamy syndrome; MPS VI; ARSB DEFICIENCY; ARYLSULFATASE B DEFICIENCY; N-ACETYLGALACTOSAMINE-4-SULFATASE DEFICIENCY. Identifiers: Orphanet 583, MedGen C0026709, MONDO:0009661, OMIM 253200.

Allele frequency attached by ClinVar (database versions not stated): gnomAD 0.00911 and 0.00961; TOPMed 0.00995; 1000 Genomes Project 30x 0.01093; 1000 Genomes Project 0.01138.

Submission:

Illumina Laboratory Services, Illumina
Classification: Benign for Mucopolysaccharidosis type 6. Last evaluated: 2018-01-13. Review status: criteria provided, single submitter. Criteria: ICSL Variant Classification Criteria 13 December 2019. Collection method: clinical testing. Allele origin: germline.
Comment: This variant was observed in the ICSL laboratory as part of a predisposition screen in an ostensibly healthy population. It had not been previously curated by ICSL or reported in the Human Gene Mutation Database (HGMD: prior to June 1st, 2018), and was therefore a candidate for classification through an automated scoring system. Utilizing variant allele frequency, disease prevalence and penetrance estimates, and inheritance mode, an automated score was calculated to assess if this variant is too frequent to cause the disease. Based on the score and internal cut-off values, a variant classified as benign is not then subjected to further curation. The score for this variant resulted in a classification of benign for this disease.